The following is an entry in ClinVar:

NM_012123.4(MTO1):c.1963A>G (p.Ile655Val)

Gene: MTO1 (mitochondrial tRNA translation optimization 1; plus strand). Cytogenetic location: 6q13.
Variant type: single nucleotide variant.
Coding change: c.1963A>G on transcript NM_012123.4 (MANE Select); coding-DNA position 1963, A replaced by G.
Protein change: p.Ile655Val; replaces isoleucine 655 with valine.
Molecular consequence: missense variant.
Genome position (GRCh38, 1-based): chr6:73,500,619, A>G. VCF-style: chr6-73500619-A-G. GRCh37 (hg19) VCF-style: chr6-74210342-A-G.
Other names: c.2083A>G, p.Ile695Val (NM_001123226.2); c.2038A>G, p.Ile680Val (NM_133645.3); short protein forms I695V, I655V, I680V.
Identifiers: ClinVar variation 2095074 (VCV002095074.4), dbSNP rs2533316938, ClinGen allele CA364701788.

ClinVar aggregate classification (germline): Uncertain significance (1 of 4 stars; one submission).

Conditions:
Mitochondrial hypertrophic cardiomyopathy with lactic acidosis due to MTO1 deficiency. Also called: CARDIOMYOPATHY, INFANTILE HYPERTROPHIC MITOCHONDRIAL, AND LACTIC ACIDOSIS; Combined oxidative phosphorylation deficiency 10. Identifiers: Orphanet 314637, MedGen C4749921, MONDO:0013865, OMIM 614702.

Submission:

Labcorp Genetics (formerly Invitae), Labcorp
Classification: Uncertain significance for Mitochondrial hypertrophic cardiomyopathy with lactic acidosis due to MTO1 deficiency. Last evaluated: 2022-04-23. Review status: criteria provided, single submitter. Criteria: Invitae Variant Classification Sherloc (09022015). Collection method: clinical testing. Allele origin: germline.
Comment: In summary, the available evidence is currently insufficient to determine the role of this variant in disease. Therefore, it has been classified as a Variant of Uncertain Significance. Algorithms developed to predict the effect of missense changes on protein structure and function output the following: SIFT: "Tolerated"; PolyPhen-2: "Benign"; Align-GVGD: "Class C0". The valine amino acid residue is found in multiple mammalian species, which suggests that this missense change does not adversely affect protein function. This variant has not been reported in the literature in individuals affected with MTO1-related conditions. This variant is not present in population databases (gnomAD no frequency). This sequence change replaces isoleucine, which is neutral and non-polar, with valine, which is neutral and non-polar, at codon 655 of the MTO1 protein (p.Ile655Val).